The following is an entry in ClinVar:

ClinVar aggregate classification (germline): Uncertain significance (1 of 4 stars; one submission).

Submission:

GeneDx
Classification: Uncertain significance. Last evaluated: 2025-01-28. Review status: criteria provided, single submitter. Criteria: GeneDx Variant Classification Process June 2021. Collection method: clinical testing. Allele origin: germline. Affected: yes.
Comment: Not observed at significant frequency in large population cohorts (gnomAD); In silico analysis supports that this missense variant has a deleterious effect on protein structure/function; Has not been previously published as pathogenic or benign to our knowledge

NM_001429.4(EP300):c.3967G>T (p.Val1323Phe)

Gene: EP300 (EP300 lysine acetyltransferase; plus strand). Cytogenetic location: 22q13.2.
Variant type: single nucleotide variant.
Coding change: c.3967G>T on transcript NM_001429.4 (MANE Select); coding-DNA position 3967, G replaced by T.
Protein change: p.Val1323Phe; replaces valine 1323 with phenylalanine.
Molecular consequence: missense variant.
Genome position (GRCh38, 1-based): chr22:41,168,541, G>T. VCF-style: chr22-41168541-G-T. GRCh37 (hg19) VCF-style: chr22-41564545-G-T.
Other names: c.3889G>T, p.Val1297Phe (NM_001362843.2); short protein forms V1297F, V1323F.
Identifiers: ClinVar variation 4071940 (VCV004071940.1).